The following is an entry in ClinVar:

NM_001370785.2(LRRC7):c.1303T>C (p.Trp435Arg)

Gene: LRRC7 (leucine rich repeat containing 7; plus strand). Cytogenetic location: 1p31.1.
Variant type: single nucleotide variant.
Coding change: c.1303T>C on transcript NM_001370785.2 (MANE Select); coding-DNA position 1303, T replaced by C.
Protein change: p.Trp435Arg; replaces tryptophan 435 with arginine.
Molecular consequence: missense variant.
Genome position (GRCh38, 1-based): chr1:70,016,517, T>C. VCF-style: chr1-70016517-T-C. GRCh37 (hg19) VCF-style: chr1-70482200-T-C.
Other names: NM_020794.2:c.1189T>C; c.1204T>C, p.Trp402Arg (NM_001330635.3, NM_001366839.3, NM_001366841.1); c.1306T>C, p.Trp436Arg (NM_001350216.3); c.1303T>C, p.Trp435Arg (NM_001366838.3); short protein forms W402R, W435R, W436R.
Identifiers: ClinVar variation 3371654 (VCV003371654.1).

ClinVar aggregate classification (germline): Uncertain significance (1 of 4 stars; one submission).

Submission:

GeneDx
Classification: Uncertain significance. Last evaluated: 2024-04-04. Review status: criteria provided, single submitter. Criteria: GeneDx Variant Classification Process June 2021. Collection method: clinical testing. Allele origin: germline. Affected: yes.
Comment: Not observed at significant frequency in large population cohorts (gnomAD); In silico analysis supports that this missense variant has a deleterious effect on protein structure/function; Has not been previously published as pathogenic or benign to our knowledge; Variants in candidate genes are classified as variants of uncertain significance in accordance with ACMG guidelines (PMID: 25741868)